The following is an entry in ClinVar:

ClinVar aggregate classification (germline): Conflicting classifications of pathogenicity. Review status: criteria provided, conflicting classifications (1 of 4 stars). 5 submissions from 5 submitters: Uncertain significance (2); Likely benign (2). 1 of the submissions does not count toward it. Last evaluated 2026-01-09.

Conditions:
Lymphatic malformation 7 (LMPHM7). Also called: Hydrops fetalis, nonimmune, and/or atrial septal defect, susceptibility to. Identifiers: MedGen C4310629, MONDO:0015009, OMIM 617300.
Capillary malformation-arteriovenous malformation 2 (CMAVM2). Identifiers: Orphanet 693912, MedGen C4748670, MONDO:0020785, OMIM 618196.
EPHB4-related disorder. Also called: EPHB4-related disorders; EPHB4-related condition.
Cardiovascular phenotype. Identifiers: MedGen CN230736.

Allele frequency attached by ClinVar (database versions not stated): ESP Exome Variant Server 0.00062; 1000 Genomes Project 0.00060; 1000 Genomes Project 30x 0.00062.
gnomAD v4.1: 166 of 1,607,744 alleles (0.01%); highest among the groups gnomAD compares: African/African-American, 0.19%; no homozygotes.

Submissions (5):

GeneDx
Classification: Uncertain significance. Last evaluated: 2026-01-09. Review status: criteria provided, single submitter. Criteria: GeneDx Variant Classification Process June 2021. Collection method: clinical testing. Allele origin: germline. Affected: yes.
Comment: In silico analysis supports that this missense variant has a deleterious effect on protein structure/function; Has not been previously published as pathogenic or benign to our knowledge

Labcorp Genetics (formerly Invitae), Labcorp
Classification: Likely benign. Last evaluated: 2025-08-26. Review status: criteria provided, single submitter. Criteria: Invitae Variant Classification Sherloc (09022015). Collection method: clinical testing. Allele origin: germline.

Fulgent Genetics
Classification: Uncertain significance for Lymphatic malformation 7; Capillary malformation-arteriovenous malformation 2. Last evaluated: 2024-01-23. Review status: criteria provided, single submitter. Criteria: ACMG Guidelines, 2015. Collection method: clinical testing. Allele origin: germline.

Ambry Genetics
Classification: Likely benign for Cardiovascular phenotype. Last evaluated: 2022-11-04. Review status: criteria provided, single submitter. Criteria: Ambry Variant Classification Scheme 2023. Collection method: clinical testing. Allele origin: germline.

PreventionGenetics, part of Exact Sciences
Classification: Likely benign for EPHB4-related condition. Last evaluated: 2023-07-27. Review status: no assertion criteria provided. Collection method: clinical testing. Allele origin: germline. Not counted in ClinVar's aggregate classification.
Comment: This variant is classified as likely benign based on ACMG/AMP sequence variant interpretation guidelines (Richards et al. 2015 PMID: 25741868, with internal and published modifications).

NM_004444.5(EPHB4):c.623C>T (p.Pro208Leu)

Gene: EPHB4 (EPH receptor B4; minus strand). Cytogenetic location: 7q22.1.
Variant type: single nucleotide variant.
Coding change: c.623C>T on transcript NM_004444.5 (MANE Select); coding-DNA position 623, C replaced by T.
Protein change: p.Pro208Leu; replaces proline 208 with leucine.
Molecular consequence: missense variant.
Genome position (GRCh38, 1-based): chr7:100,822,456, G>A on the plus strand (C>T on the coding strand, the complement: EPHB4 is on the minus strand). VCF-style: chr7-100822456-G-A. GRCh37 (hg19) VCF-style: chr7-100420078-G-A.
Other names: c.623C>T (NM_004444.4); short protein forms P208L.
Identifiers: ClinVar variation 2062638 (VCV002062638.11), dbSNP rs111749768, ClinGen allele CA4393249.